The following is an entry in ClinVar:

ClinVar aggregate classification (germline): Pathogenic (1 of 4 stars; one submission).

Conditions:
Muscular dystrophy-dystroglycanopathy (congenital with brain and eye anomalies), type A2. Also called: MUSCULAR DYSTROPHY-DYSTROGLYCANOPATHY (CONGENITAL WITH BRAIN AND EYE ANOMALIES), TYPE A, 2; WALKER-WARBURG SYNDROME OR MUSCLE-EYE-BRAIN DISEASE, POMT2-RELATED. Identifiers: Orphanet 588, Orphanet 899, MedGen C3150411, MONDO:0013154, OMIM 613150.
Autosomal recessive limb-girdle muscular dystrophy type 2N. Also called: MUSCULAR DYSTROPHY-DYSTROGLYCANOPATHY, LIMB-GIRDLE, POMT2-RELATED; Muscular dystrophy-dystroglycanopathy (limb-girdle), type C, 2. Identifiers: Orphanet 206559, MedGen C3150418, MONDO:0013162, OMIM 613158.
Muscular dystrophy-dystroglycanopathy (congenital with impaired intellectual development), type B, 2. Also called: Muscular dystrophy-dystroglycanopathy (congenital with intellectual disability), type B2; MUSCULAR DYSTROPHY, CONGENITAL, POMT2-RELATED. Identifiers: MedGen C3150416, MONDO:0013160, OMIM 613156.

Submission:

Labcorp Genetics (formerly Invitae), Labcorp
Classification: Pathogenic for Muscular dystrophy-dystroglycanopathy (congenital with impaired intellectual development), type B, 2; Muscular dystrophy-dystroglycanopathy (congenital with brain and eye anomalies), type A2; Autosomal recessive limb-girdle muscular dystrophy type 2N. Last evaluated: 2022-01-26. Review status: criteria provided, single submitter. Criteria: Invitae Variant Classification Sherloc (09022015). Collection method: clinical testing. Allele origin: germline.
Comment: For these reasons, this variant has been classified as Pathogenic. This variant has not been reported in the literature in individuals affected with POMT2-related conditions. This variant is present in population databases (no rsID available, gnomAD 0.001%). This sequence change creates a premature translational stop signal (p.Leu175Profs*22) in the POMT2 gene. It is expected to result in an absent or disrupted protein product. Loss-of-function variants in POMT2 are known to be pathogenic (PMID: 15894594).

Literature cited by the submitters: PubMed 15894594.

NM_013382.7(POMT2):c.524_533del (p.Leu175fs)

Gene: POMT2 (protein O-mannosyltransferase 2; minus strand). Cytogenetic location: 14q24.3.
Variant type: Deletion.
Coding change: c.524_533del on transcript NM_013382.7 (MANE Select); coding-DNA positions 524 to 533, 10 bases deleted (TCACAGCTGC; older notation c.524_533delTCACAGCTGC).
Protein change: p.Leu175fs; shifts the reading frame from leucine 175.
Molecular consequence: frameshift variant.
Genome position (GRCh38, 1-based): chr14:77,304,706-77,304,715, GCAGCTGTGA deleted on the plus strand (TCACAGCTGC on the coding strand, the reverse complement: POMT2 is on the minus strand); deleting any 10 consecutive bases within chr14:77,304,706-77,304,719 gives the same sequence; the c. name uses the placement nearest the transcript's 3' end. VCF-style (leftmost placement, unchanged base first): chr14-77304705-GGCAGCTGTGA-G. GRCh37 (hg19) VCF-style: chr14-77771048-GGCAGCTGTGA-G.
Other names: short protein forms L175fs.
Identifiers: ClinVar variation 2089840 (VCV002089840.4), dbSNP rs1382987890, ClinGen allele CA615201126.